The following is an entry in ClinVar:

NM_004168.4(SDHA):c.32T>C (p.Leu11Pro)

Gene: SDHA (succinate dehydrogenase complex flavoprotein subunit A; plus strand). Cytogenetic location: 5p15.33.
Variant type: single nucleotide variant.
Coding change: c.32T>C on transcript NM_004168.4 (MANE Select); coding-DNA position 32, T replaced by C.
Protein change: p.Leu11Pro; replaces leucine 11 with proline.
Molecular consequence: missense variant.
Genome position (GRCh38, 1-based): chr5:218,387, T>C. VCF-style: chr5-218387-T-C. GRCh37 (hg19) VCF-style: chr5-218502-T-C.
Other names: c.32T>C, p.Leu11Pro (NM_001294332.2, NM_001330758.2); short protein forms L11P.
Identifiers: ClinVar variation 3793543 (VCV003793543.1).

ClinVar aggregate classification (germline): Uncertain significance (1 of 4 stars; one submission).

Conditions:
Hereditary cancer-predisposing syndrome. Also called: Neoplastic Syndromes, Hereditary; Hereditary Cancer Syndrome; Tumor predisposition; Hereditary neoplastic syndrome. Identifiers: Orphanet 140162, MedGen C0027672, MeSH D009386, MONDO:0015356.

gnomAD v4.1: 1 of 1,453,028 alleles (0.000069%); highest among the groups gnomAD compares: Admixed American, 0.0025%; no homozygotes.

Submission:

Ambry Genetics
Classification: Uncertain significance for Hereditary cancer-predisposing syndrome. Last evaluated: 2025-01-20. Review status: criteria provided, single submitter. Criteria: Ambry Variant Classification Scheme 2023. Collection method: clinical testing. Allele origin: germline.
Comment: The p.L11P variant (also known as c.32T>C), located in coding exon 1 of the SDHA gene, results from a T to C substitution at nucleotide position 32. The leucine at codon 11 is replaced by proline, an amino acid with similar properties. This amino acid position is well conserved in available vertebrate species. In addition, this alteration is predicted to be tolerated by in silico analysis. Based on the available evidence, the clinical significance of this variant remains unclear.